The following is an entry in ClinVar:

NM_006904.7(PRKDC):c.68A>G (p.Asp23Gly)

Genes: PRKDC (protein kinase, DNA-activated, catalytic subunit; minus strand), LOC129929030 (ATAC-STARR-seq lymphoblastoid silent region 19177; plus strand). Cytogenetic location: 8q11.21.
Variant type: single nucleotide variant.
Coding change: c.68A>G on transcript NM_006904.7 (MANE Select); coding-DNA position 68, A replaced by G.
Protein change: p.Asp23Gly; replaces aspartic acid 23 with glycine.
Molecular consequence: missense variant.
Genome position (GRCh38, 1-based): chr8:47,960,059, T>C on the plus strand (A>G on the coding strand, the complement: PRKDC is on the minus strand). VCF-style: chr8-47960059-T-C. GRCh37 (hg19) VCF-style: chr8-48872619-T-C.
Other names: c.68A>G, p.Asp23Gly (NM_001081640.2); short protein forms D23G.
Identifiers: ClinVar variation 3310082 (VCV003310082.1).

ClinVar aggregate classification (germline): Uncertain significance (1 of 4 stars; one submission).

Submission:

Ambry Genetics
Classification: Uncertain significance. Last evaluated: 2024-03-18. Review status: criteria provided, single submitter. Criteria: Ambry Variant Classification Scheme 2023. Collection method: clinical testing. Allele origin: germline.
Comment: The p.D23G variant (also known as c.68A>G), located in coding exon 1 of the PRKDC gene, results from an A to G substitution at nucleotide position 68. The aspartic acid at codon 23 is replaced by glycine, an amino acid with similar properties. This amino acid position is conserved. In addition, this alteration is predicted to be tolerated by in silico analysis. Based on the available evidence, the clinical significance of this alteration remains unclear.